The following is an entry in ClinVar:

ClinVar aggregate classification (germline): Likely benign (0 of 4 stars; one submission).

Conditions:
SUMF2-related disorder. Also called: SUMF2-related condition.

Submission:

PreventionGenetics, part of Exact Sciences
Classification: Likely benign for SUMF2-related condition. Last evaluated: 2019-07-12. Review status: no assertion criteria provided. Collection method: clinical testing. Allele origin: germline.
Comment: This variant is classified as likely benign based on ACMG/AMP sequence variant interpretation guidelines (Richards et al. 2015 PMID: 25741868, with internal and published modifications).

NM_015411.4(SUMF2):c.635G>C (p.Gly212Ala)

Gene: SUMF2 (sulfatase modifying factor 2; plus strand). Cytogenetic location: 7p11.2.
Variant type: single nucleotide variant.
Coding change: c.635G>C on transcript NM_015411.4 (MANE Select); coding-DNA position 635, G replaced by C.
Protein change: p.Gly212Ala; replaces glycine 212 with alanine.
Molecular consequence: missense variant. On other transcripts: 5 prime UTR variant (1).
Genome position (GRCh38, 1-based): chr7:56,078,145, G>C. VCF-style: chr7-56078145-G-C. GRCh37 (hg19) VCF-style: chr7-56145838-G-C.
Other names: c.644G>C, p.Gly215Ala (NM_001042468.3); c.590G>C, p.Gly197Ala (NM_001042469.3, NM_001366647.2); c.383G>C, p.Gly128Ala (NM_001042470.3); c.635G>C, p.Gly212Ala (NM_001130069.4, NM_001366648.2); c.371G>C, p.Gly124Ala (NM_001146333.3); c.-15G>C (NM_001366649.2); short protein forms G124A, G128A, G197A, G212A, G215A.
Identifiers: ClinVar variation 3049389 (VCV003049389.2), dbSNP rs2535747132, ClinGen allele CA367605699.